The following is an entry in ClinVar:

ClinVar aggregate classification (germline): Benign. Review status: criteria provided, multiple submitters, no conflicts (2 of 4 stars). 2 submissions from 2 submitters: Benign (2). Last evaluated 2018-06-19.

Allele frequency attached by ClinVar (database versions not stated): ESP Exome Variant Server 0.03758; gnomAD 0.03998 and 0.04298; TOPMed 0.04059; gnomAD exomes 0.05572 and 0.05924; 1000 Genomes Project 30x 0.05869; ExAC 0.05901; 1000 Genomes Project 0.06278.
gnomAD v4.1: 65,360 of 1,194,492 alleles (5.5%); highest among the groups gnomAD compares: South Asian, 15%; 1,401 homozygotes.

Submissions (2):

GeneDx
Classification: Benign. Last evaluated: 2018-06-19. Review status: criteria provided, single submitter. Criteria: GeneDx Variant Classification (06012015). Collection method: clinical testing. Allele origin: germline. Affected: yes.
Comment: This variant is considered likely benign or benign based on one or more of the following criteria: it is a conservative change, it occurs at a poorly conserved position in the protein, it is predicted to be benign by multiple in silico algorithms, and/or has population frequency not consistent with disease.

Breakthrough Genomics
Classification: Benign. Review status: criteria provided, single submitter. Criteria: ACMG Guidelines, 2015. Collection method: not provided. Allele origin: germline. Inheritance: X-linked inheritance. Affected: yes.

NM_001111125.3(IQSEC2):c.999+51C>T

Gene: IQSEC2 (IQ motif and Sec7 domain ArfGEF 2; minus strand). Cytogenetic location: Xp11.22.
Variant type: single nucleotide variant.
Coding change: c.999+51C>T on transcript NM_001111125.3 (MANE Select); 51 bases into the intron after coding-DNA position 999, C replaced by T.
Molecular consequence: intron variant.
Genome position (GRCh38, 1-based): chrX:53,255,749, G>A on the plus strand (C>T on the coding strand, the complement: IQSEC2 is on the minus strand). VCF-style: chrX-53255749-G-A. GRCh37 (hg19) VCF-style: chrX-53284931-G-A.
Other names: c.384+51C>T (NM_015075.2).
Identifiers: ClinVar variation 672493 (VCV000672493.2), dbSNP rs75167079, ClinGen allele CA10420109.